The following is an entry in ClinVar:

ClinVar aggregate classification (germline): Benign/Likely benign. Review status: criteria provided, multiple submitters, no conflicts (2 of 4 stars). 2 submissions from 2 submitters: Benign (1); Likely benign (1). Last evaluated 2025-02-16.

Conditions:
Leigh syndrome (NULS). Also called: Leigh's necrotizing encephalopathy; Leigh's disease; Leigh Syndrome (mtDNA deletion); Leigh Disease; Subacute necrotizing encephalopathy; Necrotizing encephalopathy infantile subacute of Leigh. Identifiers: Orphanet 506, MedGen C2931891, MONDO:0009723, OMIM 256000.

Submissions (2):

Laboratory of Genetics, Children's Clinical University Hospital Latvia
Classification: Likely benign. Last evaluated: 2025-02-16. Review status: criteria provided, single submitter. Criteria: ACMG Guidelines, 2015. Collection method: clinical testing. Allele origin: germline. Affected: yes.

Wong Mito Lab, Molecular and Human Genetics, Baylor College of Medicine
Classification: Benign for Leigh syndrome. Last evaluated: 2019-10-17. Review status: criteria provided, single submitter. Criteria: Modified ACMG Guidelines (Unpublished). Collection method: clinical testing. Allele origin: germline.
Comment: The NC_012920.1:m.4024A>G (YP_003024026.1:p.Thr240Ala) variant in MTND1 gene is interpretated to be a Benign variant based on the modified ACMG guidelines (unpublished). This variant meets the following evidence codes: BA1

NC_012920.1(MT-ND1):m.4024A>G

Gene: MT-ND1 (mitochondrially encoded NADH dehydrogenase 1; plus strand).
Variant type: single nucleotide variant.
Genome position: chrM-4024-A-G.
Identifiers: ClinVar variation 692414 (VCV000692414.2), dbSNP rs41504646, ClinGen allele CA337096762.